The following is an entry in ClinVar:

ClinVar aggregate classification (germline): Uncertain significance. Review status: criteria provided, multiple submitters, no conflicts (2 of 4 stars). 3 submissions from 3 submitters: Uncertain significance (3). Last evaluated 2022-09-27.

Conditions:
Episodic kinesigenic dyskinesia (EKD). Also called: Paroxysmal kinesigenic dyskinesia. Identifiers: Orphanet 98809, MedGen C1868682, MONDO:0044202.

Submissions (3):

Labcorp Genetics (formerly Invitae), Labcorp
Classification: Uncertain significance for Episodic kinesigenic dyskinesia. Last evaluated: 2022-09-27. Review status: criteria provided, single submitter. Criteria: Invitae Variant Classification Sherloc (09022015). Collection method: clinical testing. Allele origin: germline.
Comment: This sequence change replaces proline, which is neutral and non-polar, with serine, which is neutral and polar, at codon 282 of the PRRT2 protein (p.Pro282Ser). In summary, the available evidence is currently insufficient to determine the role of this variant in disease. Therefore, it has been classified as a Variant of Uncertain Significance. Algorithms developed to predict the effect of sequence changes on RNA splicing suggest that this variant may create or strengthen a splice site. Advanced modeling of protein sequence and biophysical properties (such as structural, functional, and spatial information, amino acid conservation, physicochemical variation, residue mobility, and thermodynamic stability) performed at Invitae indicates that this missense variant is expected to disrupt PRRT2 protein function. This variant has not been reported in the literature in individuals affected with PRRT2-related conditions. This variant is not present in population databases (gnomAD no frequency).

GeneDx
Classification: Uncertain significance. Last evaluated: 2022-05-31. Review status: criteria provided, single submitter. Criteria: GeneDx Variant Classification Process June 2021. Collection method: clinical testing. Allele origin: germline. Affected: yes.
Comment: Not observed at significant frequency in large population cohorts (gnomAD); In silico analysis supports that this missense variant has a deleterious effect on protein structure/function; Has not been previously published as pathogenic or benign to our knowledge

Blueprint Genetics
Classification: Uncertain significance. Last evaluated: 2022-02-28. Review status: criteria provided, single submitter. Criteria: ACMG Guidelines, 2015. Collection method: clinical testing. Allele origin: germline.

NM_145239.3(PRRT2):c.844C>T (p.Pro282Ser)

Genes: MVP-DT (MVP divergent transcript; minus strand), PRRT2 (proline rich transmembrane protein 2; plus strand). Cytogenetic location: 16p11.2.
Variant type: single nucleotide variant.
Coding change: c.844C>T on transcript NM_145239.3 (MANE Select); coding-DNA position 844, C replaced by T.
Protein change: p.Pro282Ser; replaces proline 282 with serine.
Molecular consequence: missense variant.
Genome position (GRCh38, 1-based): chr16:29,813,898, C>T. VCF-style: chr16-29813898-C-T. GRCh37 (hg19) VCF-style: chr16-29825219-C-T.
Other names: c.844C>T, p.Pro282Ser (NM_001256442.2, NM_001256443.2); short protein forms P282S.
Identifiers: ClinVar variation 1802084 (VCV001802084.7), dbSNP rs2543336475, ClinGen allele CA395480082.